The following is an entry in ClinVar:

NM_017739.4(POMGNT1):c.49A>T (p.Lys17Ter)

Gene: POMGNT1 (protein O-linked mannose N-acetylglucosaminyltransferase 1 (beta 1,2-); minus strand). Cytogenetic location: 1p34.1.
Variant type: single nucleotide variant.
Coding change: c.49A>T on transcript NM_017739.4 (MANE Select); coding-DNA position 49, A replaced by T.
Protein change: p.Lys17Ter; replaces lysine 17 with a stop codon.
Molecular consequence: nonsense.
Genome position (GRCh38, 1-based): chr1:46,197,773, T>A on the plus strand (A>T on the coding strand, the complement: POMGNT1 is on the minus strand). VCF-style: chr1-46197773-T-A. GRCh37 (hg19) VCF-style: chr1-46663445-T-A.
Other names: c.49A>T, p.Lys17Ter (NM_001243766.2, NM_001410783.1); short protein forms K17*.
Identifiers: ClinVar variation 3362815 (VCV003362815.3).
Genomic context (GRCh38, chr1:46,197,773, plus strand): 5'-TCCGCAGGGCCCGCTGGTTTGTCAGTTTATACTTCCAGGTAAGGTACCAGCTCCGCTTCT[T>A]CCGAGCCCCAAAGGGCTTGATGAGGGGGCTGGGCTTCCAGTCGTCCATACCGGATTGGCG-3'

ClinVar aggregate classification (germline): Likely pathogenic (1 of 4 stars; one submission).

Conditions:
Muscular dystrophy-dystroglycanopathy (congenital with brain and eye anomalies), type A3. Also called: Muscular dystrophy-dystroglycanopathy (congenital with brain and eye anomalies), type A, 3; Congenital muscular dystrophy-dystroglycanopathy with brain and eye anomalies, type A3; WALKER-WARBURG SYNDROME OR MUSCLE-EYE-BRAIN DISEASE, POMGNT1-RELATED. Identifiers: MedGen C3151519, MONDO:0009667, OMIM 253280.

Submission:

Neuberg Centre For Genomic Medicine, NCGM
Classification: Likely pathogenic for Muscular dystrophy-dystroglycanopathy (congenital with brain and eye anomalies), type A3. Review status: criteria provided, single submitter. Criteria: ACMG Guidelines, 2015. Collection method: clinical testing. Allele origin: germline. Inheritance: Autosomal recessive inheritance. Affected: yes.
Comment: The observed stop gain variant in POMGNT1 gene has not been reported previously as a pathogenic variant nor as a benign variant, to our knowledge. The c.49A>T variant is absent on gnomAD Exomes database. This variant has not been submitted to the ClinVar database. The reference nucleotide at this position on POMGNT1 gene is predicted as conserved by GERP++ and PhyloP across 100 vertebrates. This variant is predicted to cause loss of normal protein function through protein truncation. Loss of function variants in POMGNT1 gene have been previously reported to be disease causing. However, additional functional studies will be required to prove the pathogenicity of this variant. For these reasons, this variant has been classified as Likely Pathogenic.